The following is an entry in ClinVar:

ClinVar aggregate classification (germline): Uncertain significance (1 of 4 stars; one submission).

Conditions:
Inborn genetic diseases. Identifiers: MedGen C0950123, MeSH D030342.

Submission:

Ambry Genetics
Classification: Uncertain significance for Inborn genetic diseases. Last evaluated: 2023-01-07. Review status: criteria provided, single submitter. Criteria: Ambry Variant Classification Scheme 2023. Collection method: clinical testing. Allele origin: germline.
Comment: The p.M2325T variant (also known as c.6974T>C), located in coding exon 41 of the ATR gene, results from a T to C substitution at nucleotide position 6974. The methionine at codon 2325 is replaced by threonine, an amino acid with similar properties. This amino acid position is conserved. In addition, this alteration is predicted to be deleterious by in silico analysis. Since supporting evidence is limited at this time, the clinical significance of this alteration remains unclear.

NM_001184.4(ATR):c.6974T>C (p.Met2325Thr)

Gene: ATR (ATR checkpoint kinase; minus strand). Cytogenetic location: 3q23.
Variant type: single nucleotide variant.
Coding change: c.6974T>C on transcript NM_001184.4 (MANE Select); coding-DNA position 6974, T replaced by C.
Protein change: p.Met2325Thr; replaces methionine 2325 with threonine.
Molecular consequence: missense variant.
Genome position (GRCh38, 1-based): chr3:142,465,164, A>G on the plus strand (T>C on the coding strand, the complement: ATR is on the minus strand). VCF-style: chr3-142465164-A-G. GRCh37 (hg19) VCF-style: chr3-142184006-A-G.
Other names: c.6782T>C, p.Met2261Thr (NM_001354579.2); short protein forms M2261T, M2325T.
Identifiers: ClinVar variation 2453560 (VCV002453560.2), dbSNP rs2473056044, ClinGen allele CA354800616.